The following is an entry in ClinVar:

ClinVar aggregate classification (germline): Uncertain significance. Review status: criteria provided, multiple submitters, no conflicts (2 of 4 stars). 4 submissions from 4 submitters: Uncertain significance (4). Last evaluated 2025-12-20.

Conditions:
Hereditary cancer-predisposing syndrome. Also called: Hereditary neoplastic syndrome; Neoplastic Syndromes, Hereditary; Hereditary Cancer Syndrome; Tumor predisposition. Identifiers: Orphanet 140162, MedGen C0027672, MeSH D009386, MONDO:0015356.

Allele frequency attached by ClinVar (database versions not stated): TOPMed below 0.00001.
gnomAD v4.1: 9 of 1,613,496 alleles (0.00056%); highest among the groups gnomAD compares: African/African-American, 0.0013%; 1 homozygote.

Submissions (4):

Labcorp Genetics (formerly Invitae), Labcorp
Classification: Uncertain significance. Last evaluated: 2025-12-20. Review status: criteria provided, single submitter. Criteria: Invitae Variant Classification Sherloc (09022015). Collection method: clinical testing. Allele origin: germline.
Comment: This sequence change replaces arginine, which is basic and polar, with histidine, which is basic and polar, at codon 1626 of the POLE protein (p.Arg1626His). This variant is not present in population databases (gnomAD no frequency). This variant has not been reported in the literature in individuals affected with POLE-related conditions. ClinVar contains an entry for this variant (Variation ID: 473696). Invitae Evidence Modeling of protein sequence and biophysical properties (such as structural, functional, and spatial information, amino acid conservation, physicochemical variation, residue mobility, and thermodynamic stability) indicates that this missense variant is not expected to disrupt POLE protein function with a negative predictive value of 80%. In summary, the available evidence is currently insufficient to determine the role of this variant in disease. Therefore, it has been classified as a Variant of Uncertain Significance.

Ambry Genetics
Classification: Uncertain significance for Hereditary cancer-predisposing syndrome. Last evaluated: 2025-04-07. Review status: criteria provided, single submitter. Criteria: Ambry Variant Classification Scheme 2023. Collection method: clinical testing. Allele origin: germline.
Comment: The p.R1626H variant (also known as c.4877G>A), located in coding exon 37 of the POLE gene, results from a G to A substitution at nucleotide position 4877. The arginine at codon 1626 is replaced by histidine, an amino acid with highly similar properties. This amino acid position is highly conserved in available vertebrate species. In addition, the in silico prediction for this alteration is inconclusive. Based on the available evidence, the clinical significance of this variant remains unclear.

Center for Genomic Medicine, Rigshospitalet, Copenhagen University Hospital
Classification: Uncertain significance. Last evaluated: 2025-03-04. Review status: criteria provided, single submitter. Criteria: ACMG Guidelines, 2015. Collection method: clinical testing. Allele origin: germline.

Blueprint Genetics
Classification: Uncertain significance. Last evaluated: 2024-02-06. Review status: criteria provided, single submitter. Criteria: ACMG Guidelines, 2015. Collection method: clinical testing. Allele origin: germline.

NM_006231.4(POLE):c.4877G>A (p.Arg1626His)

Gene: POLE (DNA polymerase epsilon, catalytic subunit; minus strand). Cytogenetic location: 12q24.33.
Variant type: single nucleotide variant.
Coding change: c.4877G>A on transcript NM_006231.4 (MANE Select); coding-DNA position 4877, G replaced by A.
Protein change: p.Arg1626His; replaces arginine 1626 with histidine.
Molecular consequence: missense variant.
Genome position (GRCh38, 1-based): chr12:132,642,581, C>T on the plus strand (G>A on the coding strand, the complement: POLE is on the minus strand). VCF-style: chr12-132642581-C-T. GRCh37 (hg19) VCF-style: chr12-133219167-C-T.
Other names: c.4877G>A (NM_006231.2); short protein forms R1626H.
Identifiers: ClinVar variation 473696 (VCV000473696.13), dbSNP rs766252708, ClinGen allele CA387378048.
Genomic context (GRCh38, chr12:132,642,581, plus strand): 5'-GCCTGCGACAGGCAGGTGTCCAGGTTGAGGTAGTGACGGATCATGCGCCGGGCTCCATGG[C>T]GCTGCCAGTCCAGGACCCCATAGTTGATCTTGTCAGCCACACAGATAGGCACCAGTGGGA-3'
Protein context (NP_006222.2, residues 1616-1636): KINYGVLDWQ[Arg1626His]HGARRMIRHY